The following is an entry in ClinVar:

NM_000094.4(COL7A1):c.5738G>T (p.Gly1913Val)

Gene: COL7A1 (collagen type VII alpha 1 chain; minus strand). Cytogenetic location: 3p21.31.
Variant type: single nucleotide variant.
Coding change: c.5738G>T on transcript NM_000094.4 (MANE Select); coding-DNA position 5738, G replaced by T.
Protein change: p.Gly1913Val; replaces glycine 1913 with valine.
Molecular consequence: missense variant.
Genome position (GRCh38, 1-based): chr3:48,576,434, C>A on the plus strand (G>T on the coding strand, the complement: COL7A1 is on the minus strand). VCF-style: chr3-48576434-C-A. GRCh37 (hg19) VCF-style: chr3-48613867-C-A.
Other names: short protein forms G1913V.
Identifiers: ClinVar variation 1678631 (VCV001678631.2), dbSNP rs2107680443, ClinGen allele CA352666692.

ClinVar aggregate classification (germline): Likely pathogenic (1 of 4 stars; one submission).

Conditions:
Generalized dominant dystrophic epidermolysis bullosa (DDEB). Also called: DYSTROPHIC EPIDERMOLYSIS BULLOSA, AUTOSOMAL DOMINANT; Epidermolysis bullosa dystrophica, autosomal dominant; DDEB, generalized; DDEB-gen; Dominant DEB (DDEB). Identifiers: Orphanet 231568, MedGen C0432322, MONDO:0007549, OMIM 131750.

Submission:

Molecular Genetics, Royal Melbourne Hospital
Classification: Likely pathogenic for Generalized dominant dystrophic epidermolysis bullosa. Last evaluated: 2023-03-30. Review status: criteria provided, single submitter. Criteria: ACMG Guidelines, 2015. Collection method: clinical testing. Allele origin: germline. Affected: yes.
Comment: This sequence change is predicted to replace glycine with valine at codon 1913 of the COL7A1 protein (p.Gly1913Val). The glycine residue is highly conserved in mammals and many birds and sarcopterygii (100 vertebrates, UCSC with incomplete alignment data in some species), and is located within the collagenous triple-helix domain in a Gly-X-Y motif; glycine substitutions within this functional domain have a well-established pathogenic dominant-negative effect (PM1). There is a large physicochemical difference between glycine and valine. The variant is absent in a large population cohort (PM2; gnomAD v2.1 and v3) and has not been previously reported in the literature. A proband with a phenotype specific for dystrophic epidermolysis bullosa (DEB) with a dominant family history (PS4_Supporting; Royal Melbourne Hospital). Multiple lines of computational evidence predict a deleterious effect for this missense substitution (PP3; 5/5 algorithms). Two other variants at an adjacent nucleotide within the same codon have been reported in patients with recessive and dominant DEB and are similarly rare, but both demonstrate a greater differences in physicochemical properties between the wildtype and mutant amino acids. Based on the classification scheme RMH ACMG Guidelines v1.2.1, this variant is classified as LIKELY PATHOGENIC. Following criteria are met: PM1, PM2, PS4_Supporting, PP3.